The following is an entry in ClinVar:

NM_001122681.2(SH3BP2):c.1406+6C>T

Gene: SH3BP2 (SH3 domain binding protein 2; plus strand). Cytogenetic location: 4p16.3.
Variant type: single nucleotide variant.
Coding change: c.1406+6C>T on transcript NM_001122681.2 (MANE Select); 6 bases into the intron after coding-DNA position 1406, C replaced by T.
Molecular consequence: intron variant.
Genome position (GRCh38, 1-based): chr4:2,831,984, C>T. VCF-style: chr4-2831984-C-T. GRCh37 (hg19) VCF-style: chr4-2833711-C-T.
Other names: c.1490+6C>T (NM_001145855.2); c.1577+6C>T (NM_001145856.2); c.1406+6C>T (NM_003023.4).
Identifiers: ClinVar variation 1955488 (VCV001955488.5), dbSNP rs1395878884, ClinGen allele CA549704176.

ClinVar aggregate classification (germline): Uncertain significance (1 of 4 stars; one submission).

Conditions:
Fibrous dysplasia of jaw (CRBM). Also called: Cherubism. Identifiers: Orphanet 184, MedGen C0008029, MONDO:0007315, OMIM 118400.

Allele frequency attached by ClinVar (database versions not stated): gnomAD exomes 0.00001.

Submission:

Labcorp Genetics (formerly Invitae), Labcorp
Classification: Uncertain significance for Fibrous dysplasia of jaw. Last evaluated: 2024-03-04. Review status: criteria provided, single submitter. Criteria: Invitae Variant Classification Sherloc (09022015). Collection method: clinical testing. Allele origin: germline.
Comment: This sequence change falls in intron 10 of the SH3BP2 gene. It does not directly change the encoded amino acid sequence of the SH3BP2 protein. It affects a nucleotide within the consensus splice site. This variant is present in population databases (no rsID available, gnomAD 0.003%). This variant has not been reported in the literature in individuals affected with SH3BP2-related conditions. ClinVar contains an entry for this variant (Variation ID: 1955488). Variants that disrupt the consensus splice site are a relatively common cause of aberrant splicing (PMID: 17576681, 9536098). Algorithms developed to predict the effect of sequence changes on RNA splicing suggest that this variant is not likely to affect RNA splicing. In summary, the available evidence is currently insufficient to determine the role of this variant in disease. Therefore, it has been classified as a Variant of Uncertain Significance.

Literature cited by the submitters: PubMed 17576681; PubMed 9536098.